The following is an entry in ClinVar:

NM_080424.4(SP110):c.1428_1429del (p.Tyr476_Lys477delinsTer)

Gene: SP110 (SP110 nuclear body protein; minus strand). Cytogenetic location: 2q37.1.
Variant type: Microsatellite.
Coding change: c.1428_1429del on transcript NM_080424.4 (MANE Select); coding-DNA positions 1428 to 1429, 2 bases deleted (TA; older notation c.1428_1429delTA).
Protein change: p.Tyr476_Lys477delinsTer.
Molecular consequence: nonsense.
Genome position (GRCh38, 1-based): chr2:230,178,175-230,178,176, TA deleted on the plus strand (TA on the coding strand, the reverse complement: SP110 is on the minus strand); deleting any 2 consecutive bases within chr2:230,178,175-230,178,180 gives the same sequence; the c. name uses the placement nearest the transcript's 3' end. VCF-style (leftmost placement, unchanged base first): chr2-230178174-TTA-T. GRCh37 (hg19) VCF-style: chr2-231042890-TTA-T.
Other names: c.1446_1447del, p.Tyr482_Lys483delinsTer (NM_001185015.2, NM_001378442.1, NM_001378444.1 and 2 more transcripts); c.1428_1429del, p.Tyr476_Lys477delinsTer (NM_001378443.1, NM_004509.5, NM_004510.4); c.1278_1279del, p.Tyr426_Lys427delinsTer (NM_001378447.1); c.1428_1429del (NM_004509.4).
Identifiers: ClinVar variation 1069882 (VCV001069882.8), dbSNP rs751020218, ClinGen allele CA2154505.

ClinVar aggregate classification (germline): Pathogenic/Likely pathogenic. Review status: criteria provided, multiple submitters, no conflicts (2 of 4 stars). 2 submissions from 2 submitters: Pathogenic (1); Likely pathogenic (1). Last evaluated 2024-03-06.

Conditions:
Hepatic veno-occlusive disease-immunodeficiency syndrome. Also called: Hepatic Veno-Occlusive Disease with Immunodeficiency. Identifiers: Orphanet 79124, MedGen C1856128, MONDO:0009338, OMIM 235550. Disease mechanism: loss of function.
Mycobacterium tuberculosis, susceptibility to. Identifiers: MedGen C1834752, OMIM 607948.

Submissions (2):

Fulgent Genetics
Classification: Likely pathogenic for Hepatic veno-occlusive disease-immunodeficiency syndrome; Mycobacterium tuberculosis, susceptibility to. Last evaluated: 2024-03-06. Review status: criteria provided, single submitter. Criteria: ACMG Guidelines, 2015. Collection method: clinical testing. Allele origin: germline.

Labcorp Genetics (formerly Invitae), Labcorp
Classification: Pathogenic for Hepatic veno-occlusive disease-immunodeficiency syndrome. Last evaluated: 2023-12-22. Review status: criteria provided, single submitter. Criteria: Invitae Variant Classification Sherloc (09022015). Collection method: clinical testing. Allele origin: germline.
Comment: This sequence change creates a premature translational stop signal (p.Tyr476*) in the SP110 gene. It is expected to result in an absent or disrupted protein product. Loss-of-function variants in SP110 are known to be pathogenic (PMID: 16648851, 22621957). This variant is present in population databases (rs751020218, gnomAD 0.0009%). This variant has not been reported in the literature in individuals affected with SP110-related conditions. For these reasons, this variant has been classified as Pathogenic.

Literature cited by the submitters: PubMed 16648851 (cited by Labcorp Genetics (formerly Invitae), Labcorp); PubMed 22621957 (cited by Labcorp Genetics (formerly Invitae), Labcorp).